The following is an entry in ClinVar:

ClinVar aggregate classification (germline): Uncertain significance (1 of 4 stars; one submission).

Conditions:
Hereditary cancer-predisposing syndrome. Also called: Neoplastic Syndromes, Hereditary; Tumor predisposition; Hereditary Cancer Syndrome; Hereditary neoplastic syndrome. Identifiers: Orphanet 140162, MedGen C0027672, MeSH D009386, MONDO:0015356.

Allele frequency attached by ClinVar (database versions not stated): gnomAD exomes below 0.00001.
gnomAD v4.1: 1 of 1,613,042 alleles (0.000062%); highest among the groups gnomAD compares: Non-Finnish European, 0.000085%; no homozygotes.

Submission:

Ambry Genetics
Classification: Uncertain significance for Hereditary cancer-predisposing syndrome. Last evaluated: 2022-03-16. Review status: criteria provided, single submitter. Criteria: Ambry Variant Classification Scheme 2023. Collection method: clinical testing. Allele origin: germline.
Comment: The p.K256E variant (also known as c.766A>G), located in coding exon 6 of the RAD50 gene, results from an A to G substitution at nucleotide position 766. The lysine at codon 256 is replaced by glutamic acid, an amino acid with similar properties. This amino acid position is conserved. In addition, this alteration is predicted to be tolerated by in silico analysis. Since supporting evidence is limited at this time, the clinical significance of this alteration remains unclear.

NM_005732.4(RAD50):c.766A>G (p.Lys256Glu)

Gene: RAD50 (RAD50 double strand break repair protein; plus strand). Cytogenetic location: 5q31.1.
Variant type: single nucleotide variant.
Coding change: c.766A>G on transcript NM_005732.4 (MANE Select); coding-DNA position 766, A replaced by G.
Protein change: p.Lys256Glu; replaces lysine 256 with glutamic acid.
Molecular consequence: missense variant.
Genome position (GRCh38, 1-based): chr5:132,587,571, A>G. VCF-style: chr5-132587571-A-G. GRCh37 (hg19) VCF-style: chr5-131923263-A-G.
Other names: short protein forms K256E.
Identifiers: ClinVar variation 1760052 (VCV001760052.2), dbSNP rs2479631560, ClinGen allele CA360940006.
Genomic context (GRCh38, chr5:132,587,571, plus strand): 5'-GCCATGTAAGCTATAGTGAGTTTTATTTATGTAATGTTTCTTTATTTTCAGAATCGTCTA[A>G]AAGAAATTGAACATAATCTCTCTAAAATAATGAAACTTGACAATGAAATTAAAGCCTTGG-3'
Protein context (NP_005723.2, residues 246-266): NELDPLKNRL[Lys256Glu]EIEHNLSKIM